The following is an entry in ClinVar:

ClinVar aggregate classification (germline): Uncertain significance (1 of 4 stars; one submission).

Submission:

Labcorp Genetics (formerly Invitae), Labcorp
Classification: Uncertain significance. Last evaluated: 2024-06-04. Review status: criteria provided, single submitter. Criteria: Invitae Variant Classification Sherloc (09022015). Collection method: clinical testing. Allele origin: germline.
Comment: This sequence change replaces methionine, which is neutral and non-polar, with isoleucine, which is neutral and non-polar, at codon 347 of the TRIM8 protein (p.Met347Ile). This variant is not present in population databases (gnomAD no frequency). This variant has not been reported in the literature in individuals affected with TRIM8-related conditions. An algorithm developed to predict the effect of missense changes on protein structure and function (PolyPhen-2) suggests that this variant is likely to be tolerated. In summary, the available evidence is currently insufficient to determine the role of this variant in disease. Therefore, it has been classified as a Variant of Uncertain Significance.

NM_030912.3(TRIM8):c.1041G>A (p.Met347Ile)

Gene: TRIM8 (tripartite motif containing 8; plus strand). Cytogenetic location: 10q24.32.
Variant type: single nucleotide variant.
Coding change: c.1041G>A on transcript NM_030912.3 (MANE Select); coding-DNA position 1041, G replaced by A.
Protein change: p.Met347Ile; replaces methionine 347 with isoleucine.
Molecular consequence: missense variant. On other transcripts: non-coding transcript variant (1).
Genome position (GRCh38, 1-based): chr10:102,656,378, G>A. VCF-style: chr10-102656378-G-A. GRCh37 (hg19) VCF-style: chr10-104416135-G-A.
Other names: c.945G>A, p.Met315Ile (NM_001345950.1); short protein forms M315I, M347I.
Identifiers: ClinVar variation 3672134 (VCV003672134.2).